The following is an entry in ClinVar:

NM_033004.4(NLRP1):c.3401A>C (p.Gln1134Pro)

Gene: NLRP1 (NLR family pyrin domain containing 1; minus strand). Cytogenetic location: 17p13.2.
Variant type: single nucleotide variant.
Coding change: c.3401A>C on transcript NM_033004.4 (MANE Select); coding-DNA position 3401, A replaced by C.
Protein change: p.Gln1134Pro; replaces glutamine 1134 with proline.
Molecular consequence: missense variant.
Genome position (GRCh38, 1-based): chr17:5,530,600, T>G on the plus strand (A>C on the coding strand, the complement: NLRP1 is on the minus strand). VCF-style: chr17-5530600-T-G. GRCh37 (hg19) VCF-style: chr17-5433920-T-G.
Other names: c.3413A>C, p.Gln1138Pro (NM_001033053.3); c.3401A>C, p.Gln1134Pro (NM_014922.5); c.3311A>C, p.Gln1104Pro (NM_033006.4, NM_033007.4); short protein forms Q1104P, Q1134P, Q1138P.
Identifiers: ClinVar variation 1384193 (VCV001384193.6), dbSNP rs200029168, ClinGen allele CA8326837.

ClinVar aggregate classification (germline): Uncertain significance (1 of 4 stars; one submission).

Allele frequency attached by ClinVar (database versions not stated): TOPMed 0.00001; gnomAD 0.00003; gnomAD exomes 0.00004 and 0.00009; ExAC 0.00012; 1000 Genomes Project 0.00040; 1000 Genomes Project 30x 0.00047.
gnomAD v4.1: 69 of 1,614,222 alleles (0.0043%); highest among the groups gnomAD compares: South Asian, 0.069%; 1 homozygote.

Submission:

Labcorp Genetics (formerly Invitae), Labcorp
Classification: Uncertain significance. Last evaluated: 2026-01-23. Review status: criteria provided, single submitter. Criteria: Invitae Variant Classification Sherloc (09022015). Collection method: clinical testing. Allele origin: germline.
Comment: This sequence change replaces glutamine, which is neutral and polar, with proline, which is neutral and non-polar, at codon 1134 of the NLRP1 protein (p.Gln1134Pro). This variant is present in population databases (rs200029168, gnomAD 0.08%). This variant has not been reported in the literature in individuals affected with NLRP1-related conditions. ClinVar contains an entry for this variant (Variation ID: 1384193). An algorithm developed to predict the effect of missense changes on protein structure and function (PolyPhen-2) suggests that this variant is likely to be disruptive. In summary, the available evidence is currently insufficient to determine the role of this variant in disease. Therefore, it has been classified as a Variant of Uncertain Significance.